The following is an entry in ClinVar:

ClinVar aggregate classification (germline): Likely pathogenic. Review status: criteria provided, single submitter (1 of 4 stars). 2 submissions from 2 submitters: Likely pathogenic (1). 1 of the submissions does not count toward it. Last evaluated 2021-09-30.

Conditions:
Idiopathic Pulmonary Fibrosis. Also called: Idiopathic fibrosing alveolitis, chronic form; idiopathic fibrosing alveolitis. Identifiers: Orphanet 2032, MedGen C1800706, MeSH D054990, MONDO:0800504.
Dyskeratosis congenita, autosomal dominant 2. Identifiers: MedGen C3151443, MONDO:0013521, OMIM 613989.
Telomere syndrome. Identifiers: MedGen C4727832, MONDO:0100137.

Submissions (2):

Labcorp Genetics (formerly Invitae), Labcorp
Classification: Likely pathogenic for Dyskeratosis congenita, autosomal dominant 2; Idiopathic Pulmonary Fibrosis. Last evaluated: 2021-09-30. Review status: criteria provided, single submitter. Criteria: Invitae Variant Classification Sherloc (09022015). Collection method: clinical testing. Allele origin: germline.
Comment: In summary, the currently available evidence indicates that the variant is pathogenic, but additional data are needed to prove that conclusively. Therefore, this variant has been classified as Likely Pathogenic. Advanced modeling of protein sequence and biophysical properties (such as structural, functional, and spatial information, amino acid conservation, physicochemical variation, residue mobility, and thermodynamic stability) performed at Invitae indicates that this missense variant is expected to disrupt TERT protein function. This missense change has been observed in individual(s) with clinical features of TERT-related conditions (Invitae). It has also been observed to segregate with disease in related individuals. This variant is not present in population databases (ExAC no frequency). This sequence change replaces alanine with threonine at codon 1040 of the TERT protein (p.Ala1040Thr). The alanine residue is highly conserved and there is a small physicochemical difference between alanine and threonine.

The Telomere Center at Johns Hopkins, Johns Hopkins University School of Medicine
Classification: Pathogenic for Telomere syndrome. Last evaluated: 2022-08-01. Review status: no assertion criteria provided. Collection method: clinical testing. Allele origin: germline. Affected: yes. Observed: 2 variant alleles. Not counted in ClinVar's aggregate classification.
Comment: Classified as pathogenic based on short telomere length in the proband with IPF and bone marrow failure and segregation in the family with short telomere length by flowFISH and expert opinion

NM_198253.3(TERT):c.3118G>A (p.Ala1040Thr)

Gene: TERT (telomerase reverse transcriptase; minus strand). Cytogenetic location: 5p15.33.
Variant type: single nucleotide variant.
Coding change: c.3118G>A on transcript NM_198253.3 (MANE Select); coding-DNA position 3118, G replaced by A.
Protein change: p.Ala1040Thr; replaces alanine 1040 with threonine.
Molecular consequence: missense variant. On other transcripts: non-coding transcript variant (2).
Genome position (GRCh38, 1-based): chr5:1,255,326, C>T on the plus strand (G>A on the coding strand, the complement: TERT is on the minus strand). VCF-style: chr5-1255326-C-T. GRCh37 (hg19) VCF-style: chr5-1255441-C-T.
Other names: c.2929G>A, p.Ala977Thr (NM_001193376.3); short protein forms A977T, A1040T.
Identifiers: ClinVar variation 1485756 (VCV001485756.31), dbSNP rs770144114, ClinGen allele CA359068120.